The following is an entry in ClinVar:

NM_001354604.2(MITF):c.1306C>T (p.Leu436Phe)

Gene: MITF (melanocyte inducing transcription factor; plus strand). Cytogenetic location: 3p13.
Variant type: single nucleotide variant.
Coding change: c.1306C>T on transcript NM_001354604.2 (MANE Select); coding-DNA position 1306, C replaced by T.
Protein change: p.Leu436Phe; replaces leucine 436 with phenylalanine.
Molecular consequence: missense variant.
Genome position (GRCh38, 1-based): chr3:69,964,973, C>T. VCF-style: chr3-69964973-C-T. GRCh37 (hg19) VCF-style: chr3-70014124-C-T.
Other names: c.985C>T, p.Leu329Phe (NM_000248.4); c.1132C>T, p.Leu378Phe (NM_001184967.2, NM_001354608.2); c.1303C>T, p.Leu435Phe (NM_001354605.2); c.1285C>T, p.Leu429Phe (NM_001354606.2, NM_006722.3); c.1237C>T, p.Leu413Phe (NM_001354607.2); c.967C>T, p.Leu323Phe (NM_198158.3); c.1288C>T, p.Leu430Phe (NM_198159.3); c.1240C>T, p.Leu414Phe (NM_198177.3); and 1 more; short protein forms L267F, L436F, L323F, L429F, L430F, L329F, L378F, L413F.
Identifiers: ClinVar variation 2093104 (VCV002093104.5), dbSNP rs2107552242, ClinGen allele CA353559573.
Genomic context (GRCh38, chr3:69,964,973, plus strand): 5'-GATTTGGTGAATCGGATCATCAAGCAAGAACCCGTTCTTGAGAACTGCAGCCAAGACCTC[C>T]TTCAGCATCATGCAGACCTAACCTGTACAACAACTCTCGATCTCACGGATGGCACCATCA-3'
Protein context (NP_001341533.1, residues 426-446): PVLENCSQDL[Leu436Phe]QHHADLTCTT

ClinVar aggregate classification (germline): Uncertain significance. Review status: criteria provided, multiple submitters, no conflicts (2 of 4 stars). 2 submissions from 2 submitters: Uncertain significance (2). Last evaluated 2025-08-01.

Conditions:
Tietz syndrome (TADS). Also called: ALBINISM-DEAFNESS OF TIETZ; HYPOPIGMENTATION/DEAFNESS OF TIETZ; TIETZ ALBINISM-DEAFNESS SYNDROME. Identifiers: Orphanet 42665, MedGen C0391816, MONDO:0007077, OMIM 103500.
Waardenburg syndrome type 2A (WS2A). Also called: WAARDENBURG SYNDROME WITHOUT DYSTOPIA CANTHORUM. Identifiers: Orphanet 3440, MedGen C1860339, MONDO:0008671, OMIM 193510.
Melanoma, cutaneous malignant, susceptibility to, 8. Also called: MELANOMA AND RENAL CELL CARCINOMA, SUSCEPTIBILITY TO; Cutaneous malignant melanoma 8. Identifiers: Orphanet 293822, MedGen C3152204, MONDO:0013759, OMIM 614456.
Hereditary cancer-predisposing syndrome. Also called: Hereditary neoplastic syndrome; Neoplastic Syndromes, Hereditary; Tumor predisposition; Hereditary Cancer Syndrome. Identifiers: Orphanet 140162, MedGen C0027672, MeSH D009386, MONDO:0015356.

Allele frequency attached by ClinVar (database versions not stated): gnomAD exomes below 0.00001.

Submissions (2):

Ambry Genetics
Classification: Uncertain significance for Hereditary cancer-predisposing syndrome. Last evaluated: 2025-08-01. Review status: criteria provided, single submitter. Criteria: Ambry Variant Classification Scheme 2023. Collection method: clinical testing. Allele origin: germline.
Comment: The p.L329F variant (also known as c.985C>T), located in coding exon 9 of the MITF gene, results from a C to T substitution at nucleotide position 985. The leucine at codon 329 is replaced by phenylalanine, an amino acid with highly similar properties. This amino acid position is conserved. In addition, this alteration is predicted to be tolerated by in silico analysis. Based on the available evidence, the clinical significance of this variant remains unclear.

Labcorp Genetics (formerly Invitae), Labcorp
Classification: Uncertain significance for Melanoma, cutaneous malignant, susceptibility to, 8; Waardenburg syndrome type 2A; Tietz syndrome. Last evaluated: 2024-05-23. Review status: criteria provided, single submitter. Criteria: Invitae Variant Classification Sherloc (09022015). Collection method: clinical testing. Allele origin: germline.
Comment: This sequence change replaces leucine, which is neutral and non-polar, with phenylalanine, which is neutral and non-polar, at codon 329 of the MITF protein (p.Leu329Phe). This variant is not present in population databases (gnomAD no frequency). This variant has not been reported in the literature in individuals affected with MITF-related conditions. ClinVar contains an entry for this variant (Variation ID: 2093104). Advanced modeling of protein sequence and biophysical properties (such as structural, functional, and spatial information, amino acid conservation, physicochemical variation, residue mobility, and thermodynamic stability) performed at Invitae indicates that this missense variant is not expected to disrupt MITF protein function with a negative predictive value of 80%. In summary, the available evidence is currently insufficient to determine the role of this variant in disease. Therefore, it has been classified as a Variant of Uncertain Significance.